The following is an entry in ClinVar:

NM_000112.4(SLC26A2):c.2065A>T (p.Thr689Ser)

Gene: SLC26A2 (solute carrier family 26 member 2; plus strand). Cytogenetic location: 5q32.
Variant type: single nucleotide variant.
Coding change: c.2065A>T on transcript NM_000112.4 (MANE Select); coding-DNA position 2065, A replaced by T.
Protein change: p.Thr689Ser; replaces threonine 689 with serine.
Molecular consequence: missense variant.
Genome position (GRCh38, 1-based): chr5:149,981,658, A>T. VCF-style: chr5-149981658-A-T. GRCh37 (hg19) VCF-style: chr5-149361221-A-T.
Other names: short protein forms T689S.
Identifiers: ClinVar variation 65560 (VCV000065560.49), dbSNP rs3776070, ClinGen allele CA202201.
Genomic context (GRCh38, chr5:149,981,658, plus strand): 5'-GAAGTTCGCAGAGATTATGAAGCCATTGGAATCCAGGTTCTGCTGGCTCAGTGCAATCCC[A>T]CTGTGAGGGATTCCCTAACCAACGGAGAATATTGCAAAAAGGAAGAAGAAAACCTTCTCT-3'
Protein context (NP_000103.2, residues 679-699): IQVLLAQCNP[Thr689Ser]VRDSLTNGEY

ClinVar aggregate classification (germline): Benign/Likely benign. Review status: criteria provided, multiple submitters, no conflicts (2 of 4 stars). 21 submissions from 17 submitters: Benign (14); Likely benign (1). 6 of the submissions do not count toward it. Last evaluated 2026-02-04.

Conditions:
Connective tissue disorder. Also called: Connective tissue disease. Identifiers: MedGen C0009782, MONDO:0003900.
Atelosteogenesis type II (AO2). Also called: Neonatal osseous dysplasia 1; NEONATAL OSSEOUS DYSPLASIA I; SLC26A2-Related Atelosteogenesis. Identifiers: Orphanet 56304, MedGen C1850554, MONDO:0009727, OMIM 256050.
Multiple epiphyseal dysplasia type 4 (EDM4). Also called: Multiple Epiphyseal Dysplasia, Recessive; MULTIPLE EPIPHYSEAL DYSPLASIA WITH BILAYERED PATELLAE; MULTIPLE EPIPHYSEAL DYSPLASIA WITH CLUBFOOT; MULTIPLE EPIPHYSEAL DYSPLASIA, AUTOSOMAL RECESSIVE; SLC26A2-Related Multiple Epiphyseal Dysplasia. Identifiers: Orphanet 93307, MedGen C1847593, MONDO:0009189, OMIM 226900.
Achondrogenesis, type IB (ACG1B). Also called: Achondrogenesis Type 1B. Identifiers: Orphanet 932, Orphanet 93298, MedGen C0265274, MONDO:0010966, OMIM 600972.
Diastrophic dysplasia (DTD). Also called: Diastrophic dwarfism. Identifiers: Orphanet 628, MedGen C0220726, MONDO:0009107, OMIM 222600.
Sulfate transporter-related osteochondrodysplasia. Also called: DTDST-related dysplasias. Identifiers: MedGen CN120497. Disease mechanism: loss of function.

Allele frequency attached by ClinVar (database versions not stated): 1000 Genomes Project 0.19289; ESP Exome Variant Server 0.19383; gnomAD 0.19485 and 0.19906; 1000 Genomes Project 30x 0.19785; TOPMed 0.21136.
gnomAD v4.1: 245,258 of 1,613,420 alleles (15%); highest among the groups gnomAD compares: Admixed American, 32%; 20,943 homozygotes.

Submissions (21):

Labcorp Genetics (formerly Invitae), Labcorp
Classification: Benign for Atelosteogenesis type II; Multiple epiphyseal dysplasia type 4; Achondrogenesis, type IB; Diastrophic dysplasia. Last evaluated: 2026-02-04. Review status: criteria provided, single submitter. Criteria: Invitae Variant Classification Sherloc (09022015). Collection method: clinical testing. Allele origin: germline.

ARUP Laboratories, Molecular Genetics and Genomics, ARUP Laboratories
Classification: Benign. Last evaluated: 2025-06-11. Review status: criteria provided, single submitter. Criteria: ARUP Molecular Germline Variant Investigation Process 2024. Collection method: clinical testing. Allele origin: germline.

Blueprint Genetics
Classification: Benign. Last evaluated: 2024-11-26. Review status: criteria provided, single submitter. Criteria: ACMG Guidelines, 2015. Collection method: clinical testing. Allele origin: germline.

Genome Diagnostics Laboratory, The Hospital for Sick Children
Classification: Benign for Connective tissue disorder. Last evaluated: 2022-07-14. Review status: criteria provided, single submitter. Criteria: ACMG Guidelines, 2015. Collection method: clinical testing. Allele origin: germline.

Fulgent Genetics
Classification: Likely benign for Diastrophic dysplasia; Multiple epiphyseal dysplasia type 4; Atelosteogenesis type II; Achondrogenesis, type IB. Last evaluated: 2021-12-15. Review status: criteria provided, single submitter. Criteria: ACMG Guidelines, 2015. Collection method: clinical testing. Allele origin: unknown.

Mayo Clinic Laboratories, Mayo Clinic
Classification: Benign. Last evaluated: 2019-02-27. Review status: criteria provided, single submitter. Criteria: ACMG Guidelines, 2015. Collection method: clinical testing. Allele origin: germline. Observed: 17 variant alleles.

Illumina Laboratory Services, Illumina
Classification: Benign for Osteochondrodysplasia. Last evaluated: 2018-01-13. Review status: criteria provided, single submitter. Criteria: ICSL Variant Classification Criteria 13 December 2019. Collection method: clinical testing. Allele origin: germline.
Comment: This variant was observed in the ICSL laboratory as part of a predisposition screen in an ostensibly healthy population. It had not been previously curated by ICSL or reported in the Human Gene Mutation Database (HGMD: prior to June 1st, 2018), and was therefore a candidate for classification through an automated scoring system. Utilizing variant allele frequency, disease prevalence and penetrance estimates, and inheritance mode, an automated score was calculated to assess if this variant is too frequent to cause the disease. Based on the score and internal cut-off values, a variant classified as benign is not then subjected to further curation. The score for this variant resulted in a classification of benign for this disease.

Illumina Laboratory Services, Illumina
Classification: Benign for Atelosteogenesis type II. Last evaluated: 2018-01-13. Review status: criteria provided, single submitter. Criteria: ICSL Variant Classification Criteria 13 December 2019. Collection method: clinical testing. Allele origin: germline.
Comment: the same text as in the submission from Illumina Laboratory Services, Illumina above.

Illumina Laboratory Services, Illumina
Classification: Benign for Multiple epiphyseal dysplasia type 4. Last evaluated: 2018-01-13. Review status: criteria provided, single submitter. Criteria: ICSL Variant Classification Criteria 13 December 2019. Collection method: clinical testing. Allele origin: germline.
Comment: the same text as in the submission from Illumina Laboratory Services, Illumina above.

Illumina Laboratory Services, Illumina
Classification: Benign for Achondrogenesis, type IB. Last evaluated: 2018-01-13. Review status: criteria provided, single submitter. Criteria: ICSL Variant Classification Criteria 13 December 2019. Collection method: clinical testing. Allele origin: germline.
Comment: the same text as in the submission from Illumina Laboratory Services, Illumina above.

Illumina Laboratory Services, Illumina
Classification: Benign for Diastrophic dysplasia. Last evaluated: 2018-01-13. Review status: criteria provided, single submitter. Criteria: ICSL Variant Classification Criteria 13 December 2019. Collection method: clinical testing. Allele origin: germline.
Comment: the same text as in the submission from Illumina Laboratory Services, Illumina above.

GeneDx
Classification: Benign. Last evaluated: 2016-04-08. Review status: criteria provided, single submitter. Criteria: GeneDx Variant Classification (06012015). Collection method: clinical testing. Allele origin: germline. Affected: yes.
Comment: This variant is considered likely benign or benign based on one or more of the following criteria: it is a conservative change, it occurs at a poorly conserved position in the protein, it is predicted to be benign by multiple in silico algorithms, and/or has population frequency not consistent with disease.

Women's Health and Genetics/Laboratory Corporation of America, LabCorp
Classification: Benign. Last evaluated: 2016-02-29. Review status: criteria provided, single submitter. Criteria: LabCorp Variant Classification Summary - May 2015. Collection method: clinical testing. Allele origin: germline.
Comment: Variant summary: The c.2065A>T in SLC26A2 gene is a missense change that involves a non-conserved nucleotide and 5/5 in silico algorithms predict benign outcome. The variant is present in the control population dataset of ExAC at frequency of 17%. The observed frequency exceeds the maximum expected allele frequency for a pathogenic SLC26A2 variant of 0.29%, suggesting that it is a benign polymorphism. The variant of interest has been reported by reputable databases/clinical laboratories as Benign and widely recognized as benign polymorphism in the field (GeneReviews). Taking together, based on the prevalence in general population the variant was classified as Benign.

Eurofins Ntd Llc (ga)
Classification: Benign. Last evaluated: 2014-10-14. Review status: criteria provided, single submitter. Criteria: EGL Classification Definitions 2015. Collection method: clinical testing. Allele origin: germline. Observed: 1 variant allele, 1 homozygote.

PreventionGenetics, part of Exact Sciences
Classification: Benign. Review status: criteria provided, single submitter. Criteria: ACMG Guidelines, 2015. Collection method: clinical testing. Allele origin: germline.

Natera, Inc.
Classification: Benign for Achondrogenesis type IB. Last evaluated: 2020-09-16. Review status: no assertion criteria provided. Collection method: clinical testing. Allele origin: germline. Not counted in ClinVar's aggregate classification.

Clinical Genetics DNA and cytogenetics Diagnostics Lab, Erasmus MC, Erasmus Medical Center
Classification: Benign. Review status: no assertion criteria provided. Collection method: clinical testing. Allele origin: germline. Affected: yes. Study: VKGL Data-share Consensus. Not counted in ClinVar's aggregate classification.

Diagnostic Laboratory, Department of Genetics, University Medical Center Groningen
Classification: Benign. Review status: no assertion criteria provided. Collection method: clinical testing. Allele origin: germline. Affected: yes. Study: VKGL Data-share Consensus. Not counted in ClinVar's aggregate classification.

GeneReviews
No classification provided. Condition: Diastrophic dysplasia. Review status: no classification provided. Collection method: literature only. Allele origin: unknown. Not counted in ClinVar's aggregate classification.

Genome Diagnostics Laboratory, Amsterdam University Medical Center
Classification: Benign. Review status: no assertion criteria provided. Collection method: clinical testing. Allele origin: germline. Affected: yes. Study: VKGL Data-share Consensus. Not counted in ClinVar's aggregate classification.

Joint Genome Diagnostic Labs from Nijmegen and Maastricht, Radboudumc and MUMC+
Classification: Benign. Review status: no assertion criteria provided. Collection method: clinical testing. Allele origin: germline. Affected: yes. Study: VKGL Data-share Consensus. Not counted in ClinVar's aggregate classification.

Literature cited by the submitters: PubMed 11558903 (cited by Women's Health and Genetics/Laboratory Corporation of America, LabCorp); PubMed 20301524 (cited by GeneReviews); NCBI Bookshelf NBK1350 (cited by GeneReviews).